The following is an entry in ClinVar:

NM_014712.3(SETD1A):c.2933A>T (p.Glu978Val)

Gene: SETD1A (SET domain containing 1A, histone lysine methyltransferase; plus strand). Cytogenetic location: 16p11.2.
Variant type: single nucleotide variant.
Coding change: c.2933A>T on transcript NM_014712.3 (MANE Select); coding-DNA position 2933, A replaced by T.
Protein change: p.Glu978Val; replaces glutamic acid 978 with valine.
Molecular consequence: missense variant.
Genome position (GRCh38, 1-based): chr16:30,969,606, A>T. VCF-style: chr16-30969606-A-T. GRCh37 (hg19) VCF-style: chr16-30980927-A-T.
Other names: short protein forms E978V.
Identifiers: ClinVar variation 3367555 (VCV003367555.1).

ClinVar aggregate classification (germline): Uncertain significance (1 of 4 stars; one submission).

Submission:

GeneDx
Classification: Uncertain significance. Last evaluated: 2024-01-10. Review status: criteria provided, single submitter. Criteria: GeneDx Variant Classification Process June 2021. Collection method: clinical testing. Allele origin: germline. Affected: yes.
Comment: Not observed at significant frequency in large population cohorts (gnomAD); In silico analysis supports that this missense variant has a deleterious effect on protein structure/function; Has not been previously published as pathogenic or benign to our knowledge